The following is an entry in ClinVar:

NM_001197104.2(KMT2A):c.496_498del (p.Pro166del)

Gene: KMT2A (lysine methyltransferase 2A; plus strand). Cytogenetic location: 11q23.3.
Variant type: Deletion.
Coding change: c.496_498del on transcript NM_001197104.2 (MANE Select); coding-DNA positions 496 to 498, 3 bases deleted (CCT; older notation c.496_498delCCT).
Protein change: p.Pro166del; deletes proline 166.
Genome position (GRCh38, 1-based): chr11:118,468,838-118,468,840, CCT deleted; deleting any 3 consecutive bases within chr11:118,468,836-118,468,840 gives the same sequence; the c. name uses the placement nearest the transcript's 3' end. VCF-style (leftmost placement, unchanged base first): chr11-118468835-TCTC-T. GRCh37 (hg19) VCF-style: chr11-118339550-TCTC-T.
Other names: c.595_597del, p.Pro199del (NM_001412597.1); c.496_498del, p.Pro166del (NM_005933.4); short protein forms P199del, P166del.
Identifiers: ClinVar variation 3723626 (VCV003723626.2).
Genomic context (GRCh38, chr11:118,468,835, plus strand): 5'-GATGAGCAATTCTTAGGTTTTGGCTCAGATGAAGAAGTCAGAGTGCGAAGTCCCACAAGG[TCTC>T]CTTCAGGTACGGCCAATTAAGTGCATGGTGCCTTTTAAGTTTTGTTTGTTAGGAGATTGT-3'

ClinVar aggregate classification (germline): Uncertain significance (1 of 4 stars; one submission).

Submission:

Labcorp Genetics (formerly Invitae), Labcorp
Classification: Uncertain significance. Last evaluated: 2024-10-23. Review status: criteria provided, single submitter. Criteria: Invitae Variant Classification Sherloc (09022015). Collection method: clinical testing. Allele origin: germline.
Comment: This variant, c.496_498del, results in the deletion of 1 amino acid(s) of the KMT2A protein (p.Pro166del), but otherwise preserves the integrity of the reading frame. This variant is not present in population databases (gnomAD no frequency). This variant has not been reported in the literature in individuals affected with KMT2A-related conditions. Experimental studies and prediction algorithms are not available or were not evaluated, and the functional significance of this variant is currently unknown. In summary, the available evidence is currently insufficient to determine the role of this variant in disease. Therefore, it has been classified as a Variant of Uncertain Significance.